The following is an entry in ClinVar:

NM_025103.4(IFT74):c.975-3C>G

Gene: IFT74 (intraflagellar transport 74; plus strand). Cytogenetic location: 9p21.2.
Variant type: single nucleotide variant.
Coding change: c.975-3C>G on transcript NM_025103.4 (MANE Select); 3 bases into the intron before coding-DNA position 975, C replaced by G.
Molecular consequence: intron variant.
Genome position (GRCh38, 1-based): chr9:27,029,022, C>G. VCF-style: chr9-27029022-C-G. GRCh37 (hg19) VCF-style: chr9-27029020-C-G.
Other names: c.975-3C>G (NM_001099223.3, NM_001099222.3, NM_001349928.2 and 1 more transcripts).
Identifiers: ClinVar variation 5001346 (VCV005001346.1).
Genomic context (GRCh38, chr9:27,029,022, plus strand): 5'-ATCAATTGTTTTTATTGAATGTCTATATTTCCTTCATAAATTCATTAAAAATATTTTCAA[C>G]AGGTTAACAGATACAAAAGAAAAGATAAATCAGTTTATTGAAGAAATTAGACAACTTGAC-3'

ClinVar aggregate classification (germline): Uncertain significance (1 of 4 stars; one submission).

Conditions:
IFT74-related disorder. Also called: IFT74-Related Disorders; IFT74-related condition.

Submission:

PreventionGenetics, part of Exact Sciences
Classification: Uncertain significance for IFT74-related condition. Last evaluated: 2024-11-27. Review status: criteria provided, single submitter. Criteria: ACMG Guidelines, 2015. Collection method: clinical testing. Allele origin: germline.
Comment: The IFT74 c.975-3C>G variant is predicted to interfere with splicing. This variant is predicted to impact splicing at the adjacent canonical splice junction, based on available splicing prediction programs (SpliceAI, Jaganathan et al. 2019. PubMed ID: 30661751). To our knowledge, this variant has not been reported in the literature or in a large population database (gnomAD), indicating this variant is rare. At this time, the clinical significance of this variant is uncertain due to the absence of conclusive functional and genetic evidence.